The following is an entry in ClinVar:

NM_001105206.3(LAMA4):c.2667+245A>G

Genes: LAMA4 (laminin subunit alpha 4; minus strand), LOC126859766 (MED14-independent group 3 enhancer GRCh37_chr6:112462018-112463217; plus strand). Cytogenetic location: 6q21.
Variant type: single nucleotide variant.
Coding change: c.2667+245A>G on transcript NM_001105206.3 (MANE Select); 245 bases into the intron after coding-DNA position 2667, A replaced by G.
Molecular consequence: intron variant.
Genome position (GRCh38, 1-based): chr6:112,141,874, T>C on the plus strand (A>G on the coding strand, the complement: LAMA4 is on the minus strand). VCF-style: chr6-112141874-T-C. GRCh37 (hg19) VCF-style: chr6-112463076-T-C.
Other names: c.2646+245A>G (NM_002290.5, NM_001105207.3).
Identifiers: ClinVar variation 677986 (VCV000677986.1), dbSNP rs2072026, ClinGen allele CA12303190.

ClinVar aggregate classification (germline): Benign (1 of 4 stars; one submission).

Allele frequency attached by ClinVar (database versions not stated): 1000 Genomes Project 0.57827; 1000 Genomes Project 30x 0.58573; gnomAD 0.61649 and 0.62291; TOPMed 0.63165.
gnomAD v4.1: 93,934 of 152,042 alleles (62%); highest among the groups gnomAD compares: African/African-American, 65%; 29,137 homozygotes.

Submission:

GeneDx
Classification: Benign. Last evaluated: 2018-06-15. Review status: criteria provided, single submitter. Criteria: GeneDx Variant Classification (06012015). Collection method: clinical testing. Allele origin: germline. Affected: yes.
Comment: This variant is considered likely benign or benign based on one or more of the following criteria: it is a conservative change, it occurs at a poorly conserved position in the protein, it is predicted to be benign by multiple in silico algorithms, and/or has population frequency not consistent with disease.